The following is an entry in ClinVar:

NM_014396.4(VPS41):c.1639A>G (p.Asn547Asp)

Gene: VPS41 (VPS41 subunit of HOPS complex; minus strand). Cytogenetic location: 7p14.1.
Variant type: single nucleotide variant.
Coding change: c.1639A>G on transcript NM_014396.4 (MANE Select); coding-DNA position 1639, A replaced by G.
Protein change: p.Asn547Asp; replaces asparagine 547 with aspartic acid.
Molecular consequence: missense variant.
Genome position (GRCh38, 1-based): chr7:38,756,894, T>C on the plus strand (A>G on the coding strand, the complement: VPS41 is on the minus strand). VCF-style: chr7-38756894-T-C. GRCh37 (hg19) VCF-style: chr7-38796494-T-C.
Other names: c.1564A>G, p.Asn522Asp (NM_080631.4); short protein forms N522D, N547D.
Identifiers: ClinVar variation 4873900 (VCV004873900.2).

ClinVar aggregate classification (germline): Uncertain significance (1 of 4 stars; one submission).

Submission:

CeGaT Center for Human Genetics Tuebingen
Classification: Uncertain significance. Last evaluated: 2026-06-01. Review status: criteria provided, single submitter. Criteria: CeGaT Center For Human Genetics Tuebingen Variant Classification Criteria Version 2. Collection method: clinical testing. Allele origin: germline. Affected: yes. Observed: 1 variant allele.
Comment: VPS41: PM2